The following is an entry in ClinVar:

ClinVar aggregate classification (germline): Likely pathogenic (1 of 4 stars; one submission).

Conditions:
Dystonia 12 (DYT12). Also called: DYT-ATP1A3; Rapid-Onset Dystonia-Parkinsonism (RDP). Identifiers: Orphanet 71517, MedGen C1868681, MONDO:0007496, OMIM 128235.

Submission:

Institute of Human Genetics, University of Leipzig Medical Center
Classification: Likely pathogenic for Dystonia 12. Last evaluated: 2025-03-27. Review status: criteria provided, single submitter. Criteria: ACMG Guidelines, 2015. Collection method: clinical testing. Allele origin: unknown. Inheritance: Autosomal dominant inheritance. Affected: yes.
Comment: Criteria applied: PM1,PM2,PM5_SUP,PP3

NM_152296.5(ATP1A3):c.2887G>C (p.Gly963Arg)

Gene: ATP1A3 (ATPase Na+/K+ transporting subunit alpha 3; minus strand). Cytogenetic location: 19q13.2.
Variant type: single nucleotide variant.
Coding change: c.2887G>C on transcript NM_152296.5 (MANE Select); coding-DNA position 2887, G replaced by C.
Protein change: p.Gly963Arg; replaces glycine 963 with arginine.
Molecular consequence: missense variant.
Genome position (GRCh38, 1-based): chr19:41,967,696, C>G on the plus strand (G>C on the coding strand, the complement: ATP1A3 is on the minus strand). VCF-style: chr19-41967696-C-G. GRCh37 (hg19) VCF-style: chr19-42471848-C-G.
Other names: c.2920G>C, p.Gly974Arg (NM_001256213.2); c.2926G>C, p.Gly976Arg (NM_001256214.2); short protein forms G963R, G974R, G976R.
Identifiers: ClinVar variation 3778753 (VCV003778753.1).